The following is an entry in ClinVar:

ClinVar aggregate classification (germline): Likely benign (1 of 4 stars; one submission).

Allele frequency attached by ClinVar (database versions not stated): gnomAD exomes 0.00001; gnomAD 0.00003.
gnomAD v4.1: 18 of 1,602,324 alleles (0.0011%); highest among the groups gnomAD compares: Non-Finnish European, 0.0014%; no homozygotes.

Submission:

CeGaT Center for Human Genetics Tuebingen
Classification: Likely benign. Last evaluated: 2023-10-01. Review status: criteria provided, single submitter. Criteria: CeGaT Center For Human Genetics Tuebingen Variant Classification Criteria Version 2. Collection method: clinical testing. Allele origin: germline. Affected: yes. Observed: 1 variant allele.
Comment: POLR3GL: BP4, BP7

NM_032305.3(POLR3GL):c.549T>C (p.Tyr183=)

Gene: POLR3GL (RNA polymerase III subunit GL; plus strand). Cytogenetic location: 1q21.1.
Variant type: single nucleotide variant.
Coding change: c.549T>C on transcript NM_032305.3 (MANE Select); coding-DNA position 549, T replaced by C.
Protein change: p.Tyr183=; no amino-acid change (tyrosine 183 retained).
Molecular consequence: synonymous variant.
Genome position (GRCh38, 1-based): chr1:145,978,075, T>C. VCF-style: chr1-145978075-T-C. GRCh37 (hg19) VCF-style: chr1-145457012-A-G.
Other names: c.480T>C, p.Tyr160= (NM_001330685.2).
Identifiers: ClinVar variation 2639108 (VCV002639108.24), dbSNP rs1553763811, ClinGen allele CA420242871.